The following is an entry in ClinVar:

NM_021871.4(FGA):c.1456G>A (p.Glu486Lys)

Gene: FGA (fibrinogen alpha chain; minus strand). Cytogenetic location: 4q31.3.
Variant type: single nucleotide variant.
Coding change: c.1456G>A on transcript NM_021871.4 (MANE Select); coding-DNA position 1456, G replaced by A.
Protein change: p.Glu486Lys; replaces glutamic acid 486 with lysine.
Molecular consequence: missense variant.
Genome position (GRCh38, 1-based): chr4:154,585,973, C>T on the plus strand (G>A on the coding strand, the complement: FGA is on the minus strand). VCF-style: chr4-154585973-C-T. GRCh37 (hg19) VCF-style: chr4-155507125-C-T.
Other names: p.Glu486Lys; c.1456G>A, p.Glu486Lys (NM_000508.5); short protein forms E486K.
Identifiers: ClinVar variation 3379563 (VCV003379563.1).

ClinVar aggregate classification (germline): Uncertain significance (1 of 4 stars; one submission).

gnomAD v4.1: 5 of 1,614,032 alleles (0.00031%); highest among the groups gnomAD compares: Admixed American, 0.0033%; no homozygotes.

Submission:

Mayo Clinic Laboratories, Mayo Clinic
Classification: Uncertain significance. Last evaluated: 2024-02-07. Review status: criteria provided, single submitter. Criteria: ACMG Guidelines, 2015. Collection method: clinical testing. Allele origin: germline. Observed: 1 variant allele.
Comment: BP4, PM1_supporting, PM2_moderate